The following is an entry in ClinVar:

NM_016562.4(TLR7):c.2996A>G (p.Lys999Arg)

Gene: TLR7 (toll like receptor 7; plus strand). Cytogenetic location: Xp22.2.
Variant type: single nucleotide variant.
Coding change: c.2996A>G on transcript NM_016562.4 (MANE Select); coding-DNA position 2996, A replaced by G.
Protein change: p.Lys999Arg; replaces lysine 999 with arginine.
Molecular consequence: missense variant.
Genome position (GRCh38, 1-based): chrX:12,888,504, A>G. VCF-style: chrX-12888504-A-G. GRCh37 (hg19) VCF-style: chrX-12906623-A-G.
Other names: short protein forms K999R.
Identifiers: ClinVar variation 2962184 (VCV002962184.3), dbSNP rs752720603, ClinGen allele CA326797170.

ClinVar aggregate classification (germline): Uncertain significance (1 of 4 stars; one submission).

Allele frequency attached by ClinVar (database versions not stated): gnomAD 0.00002.
gnomAD v4.1: 26 of 1,209,951 alleles (0.0021%); highest among the groups gnomAD compares: East Asian, 0.003%; no homozygotes.

Submission:

Labcorp Genetics (formerly Invitae), Labcorp
Classification: Uncertain significance. Last evaluated: 2022-11-12. Review status: criteria provided, single submitter. Criteria: Invitae Variant Classification Sherloc (09022015). Collection method: clinical testing. Allele origin: germline.
Comment: In summary, the available evidence is currently insufficient to determine the role of this variant in disease. Therefore, it has been classified as a Variant of Uncertain Significance. Algorithms developed to predict the effect of missense changes on protein structure and function (SIFT, PolyPhen-2, Align-GVGD) all suggest that this variant is likely to be tolerated. This variant has not been reported in the literature in individuals affected with TLR7-related conditions. This variant is present in population databases (no rsID available, gnomAD 0.001%). This sequence change replaces lysine, which is basic and polar, with arginine, which is basic and polar, at codon 999 of the TLR7 protein (p.Lys999Arg).